The following is an entry in ClinVar:

NM_001128840.3(CACNA1D):c.3731T>A (p.Phe1244Tyr)

Gene: CACNA1D (calcium voltage-gated channel subunit alpha1 D; plus strand). Cytogenetic location: 3p21.1.
Variant type: single nucleotide variant.
Coding change: c.3731T>A on transcript NM_001128840.3 (MANE Select); coding-DNA position 3731, T replaced by A.
Protein change: p.Phe1244Tyr; replaces phenylalanine 1244 with tyrosine.
Molecular consequence: missense variant.
Genome position (GRCh38, 1-based): chr3:53,753,627, T>A. VCF-style: chr3-53753627-T-A. GRCh37 (hg19) VCF-style: chr3-53787654-T-A.
Other names: c.3791T>A, p.Phe1264Tyr (NM_000720.4); c.3731T>A, p.Phe1244Tyr (NM_001128839.3); short protein forms F1244Y, F1264Y.
Identifiers: ClinVar variation 1908176 (VCV001908176.5), dbSNP rs779878981, ClinGen allele CA2454658.

ClinVar aggregate classification (germline): Uncertain significance (1 of 4 stars; one submission).

Allele frequency attached by ClinVar (database versions not stated): ExAC 0.00001; gnomAD exomes 0.00001; gnomAD 0.00002; TOPMed 0.00003.
gnomAD v4.1: 7 of 1,613,808 alleles (0.00043%); highest among the groups gnomAD compares: Admixed American, 0.012%; no homozygotes.

Submission:

Labcorp Genetics (formerly Invitae), Labcorp
Classification: Uncertain significance. Last evaluated: 2025-12-21. Review status: criteria provided, single submitter. Criteria: Invitae Variant Classification Sherloc (09022015). Collection method: clinical testing. Allele origin: germline.
Comment: This sequence change replaces phenylalanine, which is neutral and non-polar, with tyrosine, which is neutral and polar, at codon 1264 of the CACNA1D protein (p.Phe1264Tyr). This variant is present in population databases (rs779878981, gnomAD 0.01%). This variant has not been reported in the literature in individuals affected with CACNA1D-related conditions. ClinVar contains an entry for this variant (Variation ID: 1908176). Invitae Evidence Modeling of protein sequence and biophysical properties (such as structural, functional, and spatial information, amino acid conservation, physicochemical variation, residue mobility, and thermodynamic stability) indicates that this missense variant is expected to disrupt CACNA1D protein function with a positive predictive value of 80%. In summary, the available evidence is currently insufficient to determine the role of this variant in disease. Therefore, it has been classified as a Variant of Uncertain Significance.